The following is an entry in ClinVar:

ClinVar aggregate classification (germline): Uncertain significance (1 of 4 stars; one submission).

Submission:

GeneDx
Classification: Uncertain significance. Last evaluated: 2024-12-17. Review status: criteria provided, single submitter. Criteria: GeneDx Variant Classification Process June 2021. Collection method: clinical testing. Allele origin: germline. Affected: yes.
Comment: Not observed at significant frequency in large population cohorts (gnomAD); In silico analysis supports that this missense variant has a deleterious effect on protein structure/function; Has not been previously published as pathogenic or benign to our knowledge

NM_000127.3(EXT1):c.1654C>T (p.Pro552Ser)

Gene: EXT1 (exostosin glycosyltransferase 1; minus strand). Cytogenetic location: 8q24.11.
Variant type: single nucleotide variant.
Coding change: c.1654C>T on transcript NM_000127.3 (MANE Select); coding-DNA position 1654, C replaced by T.
Protein change: p.Pro552Ser; replaces proline 552 with serine.
Molecular consequence: missense variant.
Genome position (GRCh38, 1-based): chr8:117,812,940, G>A on the plus strand (C>T on the coding strand, the complement: EXT1 is on the minus strand). VCF-style: chr8-117812940-G-A. GRCh37 (hg19) VCF-style: chr8-118825179-G-A.
Other names: short protein forms P552S.
Identifiers: ClinVar variation 3906775 (VCV003906775.1).